The following is an entry in ClinVar:

NM_003118.4(SPARC):c.88G>A (p.Val30Met)

Gene: SPARC (secreted protein acidic and cysteine rich; minus strand). Cytogenetic location: 5q33.1.
Variant type: single nucleotide variant.
Coding change: c.88G>A on transcript NM_003118.4 (MANE Select); coding-DNA position 88, G replaced by A.
Protein change: p.Val30Met; replaces valine 30 with methionine.
Molecular consequence: missense variant.
Genome position (GRCh38, 1-based): chr5:151,674,644, C>T on the plus strand (G>A on the coding strand, the complement: SPARC is on the minus strand). VCF-style: chr5-151674644-C-T. GRCh37 (hg19) VCF-style: chr5-151054205-C-T.
Other names: c.85G>A, p.Val29Met (NM_001309443.2); c.88G>A, p.Val30Met (NM_001309444.2); short protein forms V30M, V29M.
Identifiers: ClinVar variation 4721685 (VCV004721685.1).

ClinVar aggregate classification (germline): Uncertain significance (1 of 4 stars; one submission).

gnomAD v4.1: 2 of 1,614,192 alleles (0.00012%); highest among the groups gnomAD compares: Non-Finnish European, 0.00017%; no homozygotes.

Submission:

Labcorp Genetics (formerly Invitae), Labcorp
Classification: Uncertain significance. Last evaluated: 2025-06-24. Review status: criteria provided, single submitter. Criteria: Invitae Variant Classification Sherloc (09022015). Collection method: clinical testing. Allele origin: germline.
Comment: This sequence change replaces valine, which is neutral and non-polar, with methionine, which is neutral and non-polar, at codon 30 of the SPARC protein (p.Val30Met). This variant is not present in population databases (gnomAD no frequency). This variant has not been reported in the literature in individuals affected with SPARC-related conditions. An algorithm developed to predict the effect of missense changes on protein structure and function (PolyPhen-2) suggests that this variant is likely to be disruptive. In summary, the available evidence is currently insufficient to determine the role of this variant in disease. Therefore, it has been classified as a Variant of Uncertain Significance.